The following is an entry in ClinVar:

NM_021096.4(CACNA1I):c.2110T>C (p.Tyr704His)

Gene: CACNA1I (calcium voltage-gated channel subunit alpha1 I; plus strand). Cytogenetic location: 22q13.1.
Variant type: single nucleotide variant.
Coding change: c.2110T>C on transcript NM_021096.4 (MANE Select); coding-DNA position 2110, T replaced by C.
Protein change: p.Tyr704His; replaces tyrosine 704 with histidine.
Molecular consequence: missense variant.
Genome position (GRCh38, 1-based): chr22:39,658,269, T>C. VCF-style: chr22-39658269-T-C. GRCh37 (hg19) VCF-style: chr22-40054274-T-C.
Other names: c.2005T>C, p.Tyr669His (NM_001003406.2); short protein forms Y669H, Y704H.
Identifiers: ClinVar variation 3371571 (VCV003371571.1).
Genomic context (GRCh38, chr22:39,658,269, plus strand): 5'-GCCCTGGAGATGATCCTGAAGCTGGCTGCATTTGGGCTCTTCGACTACCTGCGTAACCCC[T>C]ACAACATCTTCGACAGCATCATTGTCATCATCAGGTACCCCTCCCCCAACCCACCCGGCA-3'
Protein context (NP_066919.2, residues 694-714): FGLFDYLRNP[Tyr704His]NIFDSIIVII

ClinVar aggregate classification (germline): Uncertain significance (1 of 4 stars; one submission).

gnomAD v4.1: 4 of 1,613,870 alleles (0.00025%); highest among the groups gnomAD compares: Non-Finnish European, 0.00034%; no homozygotes.

Submission:

GeneDx
Classification: Uncertain significance. Last evaluated: 2024-03-27. Review status: criteria provided, single submitter. Criteria: GeneDx Variant Classification Process June 2021. Collection method: clinical testing. Allele origin: germline. Affected: yes.
Comment: Not observed at significant frequency in large population cohorts (gnomAD); In silico analysis supports that this missense variant has a deleterious effect on protein structure/function; Has not been previously published as pathogenic or benign to our knowledge